The following is an entry in ClinVar:

ClinVar aggregate classification (germline): Uncertain significance (1 of 4 stars; one submission).

Conditions:
Familial thoracic aortic aneurysm and aortic dissection (TAAD). Also called: Thoracic aortic aneurysms and dissections. Identifiers: Orphanet 91387, MedGen C4707243, MONDO:0019625.

Submission:

Labcorp Genetics (formerly Invitae), Labcorp
Classification: Uncertain significance for Familial thoracic aortic aneurysm and aortic dissection. Last evaluated: 2025-09-04. Review status: criteria provided, single submitter. Criteria: Invitae Variant Classification Sherloc (09022015). Collection method: clinical testing. Allele origin: germline.
Comment: This sequence change replaces alanine, which is neutral and non-polar, with proline, which is neutral and non-polar, at codon 361 of the TGFBR1 protein (p.Ala361Pro). This variant is not present in population databases (gnomAD no frequency). This variant has not been reported in the literature in individuals affected with TGFBR1-related conditions. Invitae Evidence Modeling of protein sequence and biophysical properties (such as structural, functional, and spatial information, amino acid conservation, physicochemical variation, residue mobility, and thermodynamic stability) indicates that this missense variant is not expected to disrupt TGFBR1 protein function with a negative predictive value of 80%. In summary, the available evidence is currently insufficient to determine the role of this variant in disease. Therefore, it has been classified as a Variant of Uncertain Significance.

NM_004612.4(TGFBR1):c.1081G>C (p.Ala361Pro)

Gene: TGFBR1 (transforming growth factor beta receptor 1; plus strand). Cytogenetic location: 9q22.33.
Variant type: single nucleotide variant.
Coding change: c.1081G>C on transcript NM_004612.4 (MANE Select); coding-DNA position 1081, G replaced by C.
Protein change: p.Ala361Pro; replaces alanine 361 with proline.
Molecular consequence: missense variant. On other transcripts: non-coding transcript variant (4).
Genome position (GRCh38, 1-based): chr9:99,144,839, G>C. VCF-style: chr9-99144839-G-C. GRCh37 (hg19) VCF-style: chr9-101907121-G-C.
Other names: c.850G>C, p.Ala284Pro (NM_001130916.3, NM_001407435.1); c.1093G>C, p.Ala365Pro (NM_001306210.2); c.925G>C, p.Ala309Pro (NM_001407416.1); c.913G>C, p.Ala305Pro (NM_001407417.1); c.886G>C, p.Ala296Pro (NM_001407418.1, NM_001407419.1, NM_001407420.1 and 1 more transcripts); c.874G>C, p.Ala292Pro (NM_001407423.1, NM_001407424.1, NM_001407425.1 and 8 more transcripts); c.835G>C, p.Ala279Pro (NM_001407436.1); c.373G>C, p.Ala125Pro (NM_001407437.1); and 1 more; short protein forms A279P, A284P, A296P, A292P, A305P, A309P, A202P, A361P.
Identifiers: ClinVar variation 4748432 (VCV004748432.1).
Genomic context (GRCh38, chr9:99,144,839, plus strand): 5'-GTAAAGAAGAATGGAACTTGCTGTATTGCAGACTTAGGACTGGCAGTAAGACATGATTCA[G>C]CCACAGATACCATTGATATTGCTCCAAACCACAGAGTGGGAACAAAAAGGTATACTTTTG-3'
Protein context (NP_004603.1, residues 351-371): DLGLAVRHDS[Ala361Pro]TDTIDIAPNH